The following is an entry in ClinVar:

NM_152594.3(SPRED1):c.1246T>G (p.Cys416Gly)

Gene: SPRED1 (sprouty related EVH1 domain containing 1; plus strand). Cytogenetic location: 15q14.
Variant type: single nucleotide variant.
Coding change: c.1246T>G on transcript NM_152594.3 (MANE Select); coding-DNA position 1246, T replaced by G.
Protein change: p.Cys416Gly; replaces cysteine 416 with glycine.
Molecular consequence: missense variant.
Genome position (GRCh38, 1-based): chr15:38,351,575, T>G. VCF-style: chr15-38351575-T-G. GRCh37 (hg19) VCF-style: chr15-38643776-T-G.
Other names: short protein forms C416G.
Identifiers: ClinVar variation 2788351 (VCV002788351.3), dbSNP rs1888490204, ClinGen allele CA391934674.

ClinVar aggregate classification (germline): Uncertain significance (1 of 4 stars; one submission).

Conditions:
Legius syndrome. Identifiers: Orphanet 137605, MedGen C1969623, MONDO:0012669, OMIM 611431. Disease mechanism: loss of function.

Allele frequency attached by ClinVar (database versions not stated): TOPMed 0.00001.
gnomAD v4.1: 8 of 1,614,126 alleles (0.0005%); highest among the groups gnomAD compares: Non-Finnish European, 0.00068%; no homozygotes.

Submission:

Labcorp Genetics (formerly Invitae), Labcorp
Classification: Uncertain significance for Legius syndrome. Last evaluated: 2023-09-05. Review status: criteria provided, single submitter. Criteria: Invitae Variant Classification Sherloc (09022015). Collection method: clinical testing. Allele origin: germline.
Comment: In summary, the available evidence is currently insufficient to determine the role of this variant in disease. Therefore, it has been classified as a Variant of Uncertain Significance. This sequence change replaces cysteine, which is neutral and slightly polar, with glycine, which is neutral and non-polar, at codon 416 of the SPRED1 protein (p.Cys416Gly). This variant is not present in population databases (gnomAD no frequency). This variant has not been reported in the literature in individuals affected with SPRED1-related conditions. Advanced modeling of protein sequence and biophysical properties (such as structural, functional, and spatial information, amino acid conservation, physicochemical variation, residue mobility, and thermodynamic stability) performed at Invitae indicates that this missense variant is expected to disrupt SPRED1 protein function.